The following is an entry in ClinVar:

ClinVar aggregate classification (germline): Pathogenic (1 of 4 stars; one submission).

Conditions:
Cohen syndrome (COH1). Also called: PEPPER SYNDROME; Cutis verticis gyrata, retinitis pigmentosa, and sensorineural deafness. Identifiers: Orphanet 193, MedGen C0265223, MONDO:0008999, OMIM 216550.

Submission:

Labcorp Genetics (formerly Invitae), Labcorp
Classification: Pathogenic for Cohen syndrome. Last evaluated: 2022-08-12. Review status: criteria provided, single submitter. Criteria: Invitae Variant Classification Sherloc (09022015). Collection method: clinical testing. Allele origin: germline.
Comment: This variant is a gross deletion of the genomic region encompassing exon(s) 8 of the VPS13B gene. This deletion is out-of-frame, and is expected to create a premature termination codon and result in an absent or disrupted protein product. Loss-of-function variants in VPS13B are known to be pathogenic (PMID: 15141358, 16648375, 20461111). This variant has not been reported in the literature in individuals affected with VPS13B-related conditions. For these reasons, this variant has been classified as Pathogenic.

Literature cited by the submitters: PubMed 15141358; PubMed 16648375; PubMed 20461111.

NC_000008.10:g.(?_100133395)_(100134000_?)del

Gene: VPS13B (vacuolar protein sorting 13 homolog B; plus strand). Cytogenetic location: 8q22.2.
Variant type: Deletion.
Identifiers: ClinVar variation 1074674 (VCV001074674.2).